The following is an entry in ClinVar:

NM_004999.4(MYO6):c.2078-4C>T

Gene: MYO6 (myosin VI; plus strand). Cytogenetic location: 6q14.1.
Variant type: single nucleotide variant.
Coding change: c.2078-4C>T on transcript NM_004999.4 (MANE Select); 4 bases into the intron before coding-DNA position 2078, C replaced by T.
Molecular consequence: intron variant.
Genome position (GRCh38, 1-based): chr6:75,879,816, C>T. VCF-style: chr6-75879816-C-T. GRCh37 (hg19) VCF-style: chr6-76589533-C-T.
Other names: c.2078-4C>T (NM_001368865.1, NM_001368866.1, NM_001368137.1 and 2 more transcripts); c.2063-4C>T (NM_001368138.1).
Identifiers: ClinVar variation 3354106 (VCV003354106.1).

ClinVar aggregate classification (germline): Likely benign (0 of 4 stars; one submission).

Conditions:
MYO6-related disorder. Also called: MYO6-related condition; MYO6-related disorders.

gnomAD v4.1: 4 of 1,614,108 alleles (0.00025%); highest among the groups gnomAD compares: Admixed American, 0.0067%; no homozygotes.

Submission:

PreventionGenetics, part of Exact Sciences
Classification: Likely benign for MYO6-related condition. Last evaluated: 2024-06-04. Review status: no assertion criteria provided. Collection method: clinical testing. Allele origin: germline.
Comment: This variant is classified as likely benign based on ACMG/AMP sequence variant interpretation guidelines (Richards et al. 2015 PMID: 25741868, with internal and published modifications).